The following is an entry in ClinVar:

NM_004444.5(EPHB4):c.1001T>C (p.Leu334Pro)

Gene: EPHB4 (EPH receptor B4; minus strand). Cytogenetic location: 7q22.1.
Variant type: single nucleotide variant.
Coding change: c.1001T>C on transcript NM_004444.5 (MANE Select); coding-DNA position 1001, T replaced by C.
Protein change: p.Leu334Pro; replaces leucine 334 with proline.
Molecular consequence: missense variant.
Genome position (GRCh38, 1-based): chr7:100,819,853, A>G on the plus strand (T>C on the coding strand, the complement: EPHB4 is on the minus strand). VCF-style: chr7-100819853-A-G. GRCh37 (hg19) VCF-style: chr7-100417475-A-G.
Other names: short protein forms L334P.
Identifiers: ClinVar variation 4018797 (VCV004018797.1).

ClinVar aggregate classification (germline): Uncertain significance (1 of 4 stars; one submission).

Conditions:
Cardiovascular phenotype. Identifiers: MedGen CN230736.

Submission:

Ambry Genetics
Classification: Uncertain significance for Cardiovascular phenotype. Last evaluated: 2025-03-23. Review status: criteria provided, single submitter. Criteria: Ambry Variant Classification Scheme 2023. Collection method: clinical testing. Allele origin: germline.
Comment: The p.L334P variant (also known as c.1001T>C), located in coding exon 6 of the EPHB4 gene, results from a T to C substitution at nucleotide position 1001. The leucine at codon 334 is replaced by proline, an amino acid with similar properties. This amino acid position is conserved. In addition, the in silico prediction for this alteration is inconclusive. Based on the available evidence, the clinical significance of this variant remains unclear.